The following is an entry in ClinVar:

NM_001267550.2(TTN):c.62644A>G (p.Thr20882Ala)

Genes: TTN (titin; minus strand), TTN-AS1 (TTN antisense RNA 1; plus strand). Cytogenetic location: 2q31.2.
Variant type: single nucleotide variant.
Coding change: c.62644A>G on transcript NM_001267550.2 (MANE Select); coding-DNA position 62644, A replaced by G.
Protein change: p.Thr20882Ala; replaces threonine 20882 with alanine.
Molecular consequence: missense variant.
Genome position (GRCh38, 1-based): chr2:178,589,081, T>C on the plus strand (A>G on the coding strand, the complement: TTN is on the minus strand). VCF-style: chr2-178589081-T-C. GRCh37 (hg19) VCF-style: chr2-179453808-T-C.
Other names: c.57721A>G, p.Thr19241Ala (NM_001256850.1); c.35449A>G, p.Thr11817Ala (NM_003319.4); c.35824A>G, p.Thr11942Ala (NM_133432.3); c.36025A>G, p.Thr12009Ala (NM_133437.4); c.54940A>G, p.Thr18314Ala (NM_133378.4); short protein forms T18314A, T20882A, T11942A, T11817A, T19241A, T12009A.
Identifiers: ClinVar variation 180027 (VCV000180027.9), dbSNP rs538308579, ClinGen allele CA185667.

ClinVar aggregate classification (germline): Uncertain significance. Review status: criteria provided, multiple submitters, no conflicts (2 of 4 stars). 4 submissions from 4 submitters: Uncertain significance (4). Last evaluated 2026-04-06.

Conditions:
TTN-related disorder. Also called: TTN-related condition; TTN-related disease; TTN-related disorders.
Dilated cardiomyopathy 1G (CMD1G). Identifiers: Orphanet 154, MedGen C1858763, MONDO:0011400, OMIM 604145.
Autosomal recessive limb-girdle muscular dystrophy type 2J (LGMDR10). Also called: Limb-girdle muscular dystrophy, type 2J; MUSCULAR DYSTROPHY, LIMB-GIRDLE, AUTOSOMAL RECESSIVE 10. Identifiers: Orphanet 140922, MedGen C1837342, MONDO:0012127, OMIM 608807.
Tibial muscular dystrophy (TMD). Also called: Udd Distal Myopathy – Tibial Muscular Dystrophy; UDD MYOPATHY; Tibial muscular dystrophy, tardive. Identifiers: Orphanet 609, MedGen C1838244, MONDO:0010870, OMIM 600334.
Myopathy, myofibrillar, 9, with early respiratory failure (MFM9). Also called: Hereditary myopathy with early respiratory failure; EDSTROM MYOPATHY; MYOPATHY, PROXIMAL, WITH EARLY RESPIRATORY MUSCLE INVOLVEMENT; Myopathy, distal, with early respiratory failure, autosomal dominant. Identifiers: Orphanet 178464, Orphanet 34521, MedGen C1863599, MONDO:0011362, OMIM 603689.
Hypertrophic cardiomyopathy 9. Also called: Familial hypertrophic cardiomyopathy 9. Identifiers: MedGen C1861065, MONDO:0013412, OMIM 613765.
Early-onset myopathy with fatal cardiomyopathy (CMYO5). Also called: CONGENITAL MYOPATHY 5 WITH CARDIOMYOPATHY; Salih Myopathy. Identifiers: Orphanet 289377, MedGen C2673677, MONDO:0012714, OMIM 611705. Disease mechanism: loss of function.

Allele frequency attached by ClinVar (database versions not stated): gnomAD exomes below 0.00001 and 0.00002; ExAC 0.00001; gnomAD 0.00001; 1000 Genomes Project 0.00020; 1000 Genomes Project 30x 0.00031.
gnomAD v4.1: 14 of 1,609,880 alleles (0.00087%); highest among the groups gnomAD compares: East Asian, 0.0067%; no homozygotes.

Submissions (4):

PreventionGenetics, part of Exact Sciences
Classification: Uncertain significance for TTN-related condition. Last evaluated: 2026-04-06. Review status: criteria provided, single submitter. Criteria: ACMG Guidelines, 2015. Collection method: clinical testing. Allele origin: germline.
Comment: The TTN c.62644A>G variant is predicted to result in the amino acid substitution p.Thr20882Ala. To our knowledge, this variant has not been reported in the literature. This variant is reported in 0.021% of alleles in individuals of East Asian descent in gnomAD. At this time, the clinical significance of this variant is uncertain due to the absence of conclusive functional and genetic evidence.

Fulgent Genetics
Classification: Uncertain significance for Tibial muscular dystrophy; Myopathy, myofibrillar, 9, with early respiratory failure; Dilated cardiomyopathy 1G; Autosomal recessive limb-girdle muscular dystrophy type 2J; Early-onset myopathy with fatal cardiomyopathy; Hypertrophic cardiomyopathy 9. Last evaluated: 2021-07-07. Review status: criteria provided, single submitter. Criteria: ACMG Guidelines, 2015. Collection method: clinical testing. Allele origin: unknown.

Labcorp Genetics (formerly Invitae), Labcorp
Classification: Uncertain significance for Dilated cardiomyopathy 1G; Autosomal recessive limb-girdle muscular dystrophy type 2J. Last evaluated: 2017-03-31. Review status: criteria provided, single submitter. Criteria: Invitae Variant Classification Sherloc (09022015). Collection method: clinical testing. Allele origin: germline.

Laboratory for Molecular Medicine, Mass General Brigham Personalized Medicine
Classification: Uncertain significance. Last evaluated: 2014-09-17. Review status: criteria provided, single submitter. Criteria: LMM Criteria. Collection method: clinical testing. Allele origin: germline. Observed: 1 variant allele.
Comment: The Thr18314Ala variant in TTN has not been previously reported in individuals w ith cardiomyopathy or in large population studies. Computational prediction tool s and conservation analysis do not provide strong support for or against an impa ct to the protein. In summary, the clinical significance of the Thr18314Ala vari ant is uncertain.